The following is an entry in ClinVar:

ClinVar aggregate classification (germline): Uncertain significance (1 of 4 stars; one submission).

Conditions:
Adams-Oliver syndrome 5 (AOS5). Identifiers: Orphanet 974, MedGen C4014970, MONDO:0014459, OMIM 616028.

Submission:

Labcorp Genetics (formerly Invitae), Labcorp
Classification: Uncertain significance for Adams-Oliver syndrome 5. Last evaluated: 2025-03-18. Review status: criteria provided, single submitter. Criteria: Invitae Variant Classification Sherloc (09022015). Collection method: clinical testing. Allele origin: germline.
Comment: This sequence change replaces glycine, which is neutral and non-polar, with arginine, which is basic and polar, at codon 35 of the NOTCH1 protein (p.Gly35Arg). This variant is not present in population databases (gnomAD no frequency). This variant has not been reported in the literature in individuals affected with NOTCH1-related conditions. ClinVar contains an entry for this variant (Variation ID: 945782). An algorithm developed to predict the effect of missense changes on protein structure and function (PolyPhen-2) suggests that this variant is likely to be disruptive. In summary, the available evidence is currently insufficient to determine the role of this variant in disease. Therefore, it has been classified as a Variant of Uncertain Significance.

NM_017617.5(NOTCH1):c.103G>A (p.Gly35Arg)

Gene: NOTCH1 (notch receptor 1; minus strand). Cytogenetic location: 9q34.3.
Variant type: single nucleotide variant.
Coding change: c.103G>A on transcript NM_017617.5 (MANE Select); coding-DNA position 103, G replaced by A.
Protein change: p.Gly35Arg; replaces glycine 35 with arginine.
Molecular consequence: missense variant.
Genome position (GRCh38, 1-based): chr9:136,544,061, C>T on the plus strand (G>A on the coding strand, the complement: NOTCH1 is on the minus strand). VCF-style: chr9-136544061-C-T. GRCh37 (hg19) VCF-style: chr9-139438513-C-T.
Other names: short protein forms G35R.
Identifiers: ClinVar variation 945782 (VCV000945782.9), dbSNP rs1843774247, ClinGen allele CA375579057.
Genomic context (GRCh38, chr9:136,544,061, plus strand): 5'-GGTCCCGCAGGGGTGGTACTCACACGCAGGCCTCCGTGCCATTGGCCGCTTCACACTTCC[C>T]GCCATTCAGGCAGGTCTCACCGGGCTGGGAGCATCGCGGGCCTAGGCAGGGGCAGGAGAA-3'
Protein context (NP_060087.3, residues 25-45): SQPGETCLNG[Gly35Arg]KCEAANGTEA